The following is an entry in ClinVar:

ClinVar aggregate classification (germline): Uncertain significance (1 of 4 stars; one submission).

Conditions:
Charcot-Marie-Tooth disease axonal type 2S. Also called: CHARCOT-MARIE-TOOTH NEUROPATHY, TYPE 2S; CHARCOT-MARIE-TOOTH DISEASE, AXONAL, AUTOSOMAL RECESSIVE, TYPE 2S. Identifiers: Orphanet 443073, MedGen C4015349, MONDO:0014511, OMIM 616155.
Autosomal recessive distal spinal muscular atrophy 1. Also called: NEURONOPATHY, DISTAL HEREDITARY MOTOR, HARDING TYPE VI; NEUROPATHY, DISTAL HEREDITARY MOTOR, AUTOSOMAL RECESSIVE 1; Spinal muscular atrophy with respiratory distress 1; HMN VI; NEURONOPATHY, SEVERE INFANTILE AXONAL, WITH RESPIRATORY FAILURE; SEVERE INFANTILE AXONAL NEUROPATHY WITH RESPIRATORY FAILURE. Identifiers: Orphanet 98920, MedGen C1858517, MONDO:0011436, OMIM 604320.

Allele frequency attached by ClinVar (database versions not stated): gnomAD exomes below 0.00001; TOPMed 0.00002.
gnomAD v4.1: 4 of 1,614,096 alleles (0.00025%); highest among the groups gnomAD compares: African/African-American, 0.004%; no homozygotes.

Submission:

Labcorp Genetics (formerly Invitae), Labcorp
Classification: Uncertain significance for Autosomal recessive distal spinal muscular atrophy 1; Charcot-Marie-Tooth disease axonal type 2S. Last evaluated: 2022-03-18. Review status: criteria provided, single submitter. Criteria: Invitae Variant Classification Sherloc (09022015). Collection method: clinical testing. Allele origin: germline.
Comment: In summary, the available evidence is currently insufficient to determine the role of this variant in disease. Therefore, it has been classified as a Variant of Uncertain Significance. This sequence change replaces lysine, which is basic and polar, with arginine, which is basic and polar, at codon 741 of the IGHMBP2 protein (p.Lys741Arg). This variant is not present in population databases (gnomAD no frequency). This variant has not been reported in the literature in individuals affected with IGHMBP2-related conditions. ClinVar contains an entry for this variant (Variation ID: 1002798). Advanced modeling of protein sequence and biophysical properties (such as structural, functional, and spatial information, amino acid conservation, physicochemical variation, residue mobility, and thermodynamic stability) performed at Invitae indicates that this missense variant is not expected to disrupt IGHMBP2 protein function.

NM_002180.3(IGHMBP2):c.2222A>G (p.Lys741Arg)

Gene: IGHMBP2 (immunoglobulin mu DNA binding protein 2; plus strand). Cytogenetic location: 11q13.3.
Variant type: single nucleotide variant.
Coding change: c.2222A>G on transcript NM_002180.3 (MANE Select); coding-DNA position 2222, A replaced by G.
Protein change: p.Lys741Arg; replaces lysine 741 with arginine.
Molecular consequence: missense variant.
Genome position (GRCh38, 1-based): chr11:68,936,702, A>G. VCF-style: chr11-68936702-A-G. GRCh37 (hg19) VCF-style: chr11-68704170-A-G.
Other names: short protein forms K741R.
Identifiers: ClinVar variation 1002798 (VCV001002798.5), dbSNP rs1859546493, ClinGen allele CA381653068.